The following is an entry in ClinVar:

NM_016628.5(WAC):c.439T>C (p.Tyr147His)

Gene: WAC (WW domain containing adaptor with coiled-coil; plus strand). Cytogenetic location: 10p12.1.
Variant type: single nucleotide variant.
Coding change: c.439T>C on transcript NM_016628.5 (MANE Select); coding-DNA position 439, T replaced by C.
Protein change: p.Tyr147His; replaces tyrosine 147 with histidine.
Molecular consequence: missense variant.
Genome position (GRCh38, 1-based): chr10:28,589,793, T>C. VCF-style: chr10-28589793-T-C. GRCh37 (hg19) VCF-style: chr10-28878722-T-C.
Other names: c.304T>C, p.Tyr102His (NM_100264.3); c.439T>C, p.Tyr147His (NM_100486.4); short protein forms Y102H, Y147H.
Identifiers: ClinVar variation 4685055 (VCV004685055.1).

ClinVar aggregate classification (germline): Uncertain significance (1 of 4 stars; one submission).

Submission:

GeneDx
Classification: Uncertain significance. Last evaluated: 2025-07-10. Review status: criteria provided, single submitter. Criteria: GeneDx Variant Classification Process June 2021. Collection method: clinical testing. Allele origin: germline. Affected: yes.
Comment: Not observed at significant frequency in large population cohorts (gnomAD); In silico analysis supports that this missense variant has a deleterious effect on protein structure/function; Has not been previously published as pathogenic or benign to our knowledge